The following is an entry in ClinVar:

ClinVar aggregate classification (germline): Uncertain significance (1 of 4 stars; one submission).

Allele frequency attached by ClinVar (database versions not stated): TOPMed below 0.00001.

Submission:

Labcorp Genetics (formerly Invitae), Labcorp
Classification: Uncertain significance. Last evaluated: 2023-02-04. Review status: criteria provided, single submitter. Criteria: Invitae Variant Classification Sherloc (09022015). Collection method: clinical testing. Allele origin: germline.
Comment: In summary, the available evidence is currently insufficient to determine the role of this variant in disease. Therefore, it has been classified as a Variant of Uncertain Significance. Algorithms developed to predict the effect of missense changes on protein structure and function are either unavailable or do not agree on the potential impact of this missense change (SIFT: "Deleterious"; PolyPhen-2: "Possibly Damaging"; Align-GVGD: "Class C0"). This variant has not been reported in the literature in individuals affected with FUK-related conditions. This variant is not present in population databases (gnomAD no frequency). This sequence change replaces aspartic acid, which is acidic and polar, with alanine, which is neutral and non-polar, at codon 419 of the FUK protein (p.Asp419Ala).

NM_145059.3(FCSK):c.1256A>C (p.Asp419Ala)

Gene: FCSK (fucose kinase; plus strand). Cytogenetic location: 16q22.1.
Variant type: single nucleotide variant.
Coding change: c.1256A>C on transcript NM_145059.3 (MANE Select); coding-DNA position 1256, A replaced by C.
Protein change: p.Asp419Ala; replaces aspartic acid 419 with alanine.
Molecular consequence: missense variant.
Genome position (GRCh38, 1-based): chr16:70,471,267, A>C. VCF-style: chr16-70471267-A-C. GRCh37 (hg19) VCF-style: chr16-70505170-A-C.
Other names: short protein forms D419A.
Identifiers: ClinVar variation 2834567 (VCV002834567.3), dbSNP rs2048608200, ClinGen allele CA396568518.